The following is an entry in ClinVar:

ClinVar aggregate classification (germline): Benign (1 of 4 stars; one submission).

gnomAD v4.1: 2,490 of 1,614,182 alleles (0.15%); highest among the groups gnomAD compares: South Asian, 2.5%; 66 homozygotes.

Submission:

Mayo Clinic Laboratories, Mayo Clinic
Classification: Benign. Last evaluated: 2023-07-14. Review status: criteria provided, single submitter. Criteria: ACMG Guidelines, 2015. Collection method: clinical testing. Allele origin: germline. Observed: 2 variant alleles.
Comment: BS1, BS2, BP4

Literature cited by the submitters: PubMed 22561553.

NM_198241.3(EIF4G1):c.1696C>T (p.Arg566Cys)

Gene: EIF4G1 (eukaryotic translation initiation factor 4 gamma 1; plus strand). Cytogenetic location: 3q27.1.
Variant type: single nucleotide variant.
Coding change: c.1696C>T on transcript NM_198241.3 (MANE Select); coding-DNA position 1696, C replaced by T.
Protein change: p.Arg566Cys; replaces arginine 566 with cysteine.
Molecular consequence: missense variant.
Genome position (GRCh38, 1-based): chr3:184,322,631, C>T. VCF-style: chr3-184322631-C-T. GRCh37 (hg19) VCF-style: chr3-184040419-C-T.
Other names: p.Arg566Cys; c.1717C>T, p.Arg573Cys (NM_001194946.2, NM_001194947.2); c.1576C>T, p.Arg526Cys (NM_001291157.2); c.1108C>T, p.Arg370Cys (NM_004953.5); c.1696C>T, p.Arg566Cys (NM_182917.4); c.1204C>T, p.Arg402Cys (NM_198242.3); c.1435C>T, p.Arg479Cys (NM_198244.3); short protein forms R370C, R402C, R479C, R526C, R566C, R573C.
Identifiers: ClinVar variation 4684747 (VCV004684747.1).